The following is an entry in ClinVar:

ClinVar aggregate classification (germline): Likely pathogenic. Review status: criteria provided, multiple submitters, no conflicts (2 of 4 stars). 2 submissions from 2 submitters: Likely pathogenic (2). Last evaluated 2024-03-04.

Conditions:
Hermansky-Pudlak syndrome 5 (HPS5). Identifiers: Orphanet 231512, Orphanet 79430, MedGen C3888004, MONDO:0013557, OMIM 614074.

gnomAD v4.1: 3 of 1,613,954 alleles (0.00019%); highest among the groups gnomAD compares: African/African-American, 0.0013%; no homozygotes.

Submissions (2):

Fulgent Genetics
Classification: Likely pathogenic for Hermansky-Pudlak syndrome 5. Last evaluated: 2024-03-04. Review status: criteria provided, single submitter. Criteria: ACMG Guidelines, 2015. Collection method: clinical testing. Allele origin: germline.

Labcorp Genetics (formerly Invitae), Labcorp
Classification: Likely pathogenic. Last evaluated: 2024-02-07. Review status: criteria provided, single submitter. Criteria: Invitae Variant Classification Sherloc (09022015). Collection method: clinical testing. Allele origin: germline.
Comment: This sequence change affects an acceptor splice site in intron 9 of the HPS5 gene. It is expected to disrupt RNA splicing. Variants that disrupt the donor or acceptor splice site typically lead to a loss of protein function (PMID: 16199547), and loss-of-function variants in HPS5 are known to be pathogenic (PMID: 12548288, 15296495, 21833017, 26785811). This variant is not present in population databases (gnomAD no frequency). This variant has not been reported in the literature in individuals affected with HPS5-related conditions. Algorithms developed to predict the effect of sequence changes on RNA splicing suggest that this variant may disrupt the consensus splice site. In summary, the currently available evidence indicates that the variant is pathogenic, but additional data are needed to prove that conclusively. Therefore, this variant has been classified as Likely Pathogenic.

Literature cited by the submitters: PubMed 16199547 (cited by Labcorp Genetics (formerly Invitae), Labcorp); PubMed 12548288 (cited by Labcorp Genetics (formerly Invitae), Labcorp); PubMed 15296495 (cited by Labcorp Genetics (formerly Invitae), Labcorp); PubMed 21833017 (cited by Labcorp Genetics (formerly Invitae), Labcorp); PubMed 26785811 (cited by Labcorp Genetics (formerly Invitae), Labcorp).

NM_181507.2(HPS5):c.986-1G>C

Gene: HPS5 (HPS5 biogenesis of lysosomal organelles complex 2 subunit 2; minus strand). Cytogenetic location: 11p15.1.
Variant type: single nucleotide variant.
Coding change: c.986-1G>C on transcript NM_181507.2 (MANE Select); the canonical splice acceptor site of the intron before coding-DNA position 986, G replaced by C.
Molecular consequence: splice acceptor variant.
Genome position (GRCh38, 1-based): chr11:18,298,971, C>G on the plus strand (G>C on the coding strand, the complement: HPS5 is on the minus strand). VCF-style: chr11-18298971-C-G. GRCh37 (hg19) VCF-style: chr11-18320518-C-G.
Other names: c.572-1G>C (NM_001440929.1, NM_001440928.1, NM_001440927.1); c.644-1G>C (NM_181508.2, NM_001440921.1, NM_001440926.1 and 7 more transcripts); c.875-1G>C (NM_001440915.1, NM_001440914.1, NM_001440913.1); c.986-1G>C (NM_001440931.1, NM_001440917.1, NM_001440906.1 and 5 more transcripts); c.911-1G>C (NM_001440907.1, NM_001440909.1, NM_001440908.1); c.773-1G>C (NM_001440919.1); c.800-1G>C (NM_001440918.1).
Identifiers: ClinVar variation 3599450 (VCV003599450.3).
Genomic context (GRCh38, chr11:18,298,971, plus strand): 5'-CTTTCCCATTTAGGTGCAAACAGAACAATTCATTCCTACAGACAGCCACATCCTGAATAT[C>G]TACGAAAACCACAGGTGTGAACATACAAAATGTTAACCAAATACCCCTTACAATTTTAAA-3'